The following is an entry in ClinVar:

NM_003079.5(SMARCE1):c.48A>C (p.Ala16=)

Gene: SMARCE1 (SWI/SNF related BAF chromatin remodeling complex subunit E1; minus strand). Cytogenetic location: 17q21.2.
Variant type: single nucleotide variant.
Coding change: c.48A>C on transcript NM_003079.5 (MANE Select); coding-DNA position 48, A replaced by C.
Protein change: p.Ala16=; no amino-acid change (alanine 16 retained).
Molecular consequence: synonymous variant.
Genome position (GRCh38, 1-based): chr17:40,645,579, T>G on the plus strand (A>C on the coding strand, the complement: SMARCE1 is on the minus strand). VCF-style: chr17-40645579-T-G. GRCh37 (hg19) VCF-style: chr17-38801831-T-G.
Identifiers: ClinVar variation 2647744 (VCV002647744.24), dbSNP rs2508617508, ClinGen allele CA499965000.
Genomic context (GRCh38, chr17:40,645,579, plus strand): 5'-GGTTTTTGTATCAAGGCCAGAGTTGGCTATTACATTAACAAGAAAATTAAAACTTACTGT[T>G]GCAGGAGCTGGGGTGGGAGGTGGGGCATAAGATGGTCTTTCTGTTTGAAAGAAAATAAAT-3'
Protein context (NP_003070.3, residues 6-26): SYAPPPTPAP[Ala16=]TQMPSTPGFV

ClinVar aggregate classification (germline): Uncertain significance (1 of 4 stars; one submission).

Submission:

CeGaT Center for Human Genetics Tuebingen
Classification: Uncertain significance. Last evaluated: 2023-10-01. Review status: criteria provided, single submitter. Criteria: CeGaT Center For Human Genetics Tuebingen Variant Classification Criteria Version 2. Collection method: clinical testing. Allele origin: germline. Affected: yes. Observed: 1 variant allele.
Comment: SMARCE1: PM2, BP4